The following is an entry in ClinVar:

ClinVar aggregate classification (germline): Uncertain significance (1 of 4 stars; one submission).

Conditions:
Lethal occipital encephalocele-skeletal dysplasia syndrome. Identifiers: Orphanet 293925, MedGen C3280729, MONDO:0013740, OMIM 614416.

Allele frequency attached by ClinVar (database versions not stated): ExAC 0.00001; gnomAD exomes 0.00001.

Submission:

MVZ Medizinische Genetik Mainz
Classification: Uncertain significance for Lethal occipital encephalocele-skeletal dysplasia syndrome. Last evaluated: 2023-12-11. Review status: criteria provided, single submitter. Criteria: UK Practice Guidelines For Variant Classification V4 01 2020. Collection method: clinical testing. Allele origin: germline. Inheritance: Autosomal recessive inheritance. Affected: yes. Observed: 1 variant allele.
Comment: ACMG Criteria: PM2_SUP

NM_019885.4(CYP26B1):c.584G>A (p.Arg195Gln)

Gene: CYP26B1 (cytochrome P450 family 26 subfamily B member 1; minus strand). Cytogenetic location: 2p13.2.
Variant type: single nucleotide variant.
Coding change: c.584G>A on transcript NM_019885.4 (MANE Select); coding-DNA position 584, G replaced by A.
Protein change: p.Arg195Gln; replaces arginine 195 with glutamine.
Molecular consequence: missense variant.
Genome position (GRCh38, 1-based): chr2:72,135,265, C>T on the plus strand (G>A on the coding strand, the complement: CYP26B1 is on the minus strand). VCF-style: chr2-72135265-C-T. GRCh37 (hg19) VCF-style: chr2-72362394-C-T.
Other names: c.359G>A, p.Arg120Gln (NM_001277742.2); short protein forms R120Q, R195Q.
Identifiers: ClinVar variation 3236381 (VCV003236381.1), dbSNP rs748938965, ClinGen allele CA1708003.